The following is an entry in ClinVar:

ClinVar aggregate classification (germline): Pathogenic. Review status: criteria provided, multiple submitters, no conflicts (2 of 4 stars). 7 submissions from 7 submitters: Pathogenic (7). Last evaluated 2023-11-30.

Conditions:
Inborn genetic diseases. Identifiers: MedGen C0950123, MeSH D030342.
Mucopolysaccharidosis, MPS-IV-A (MPS4A). Also called: Mucopolysaccharidosis Type IVA; GALACTOSAMINE-6-SULFATASE DEFICIENCY; GALNS DEFICIENCY; MORQUIO A DISEASE; MPS IVA; Morquio syndrome A, mild. Identifiers: Orphanet 309297, Orphanet 582, MedGen C0086651, MONDO:0009659, OMIM 253000.

Allele frequency attached by ClinVar (database versions not stated): gnomAD exomes below 0.00001; gnomAD 0.00001; TOPMed 0.00001.
gnomAD v4.1: 25 of 1,613,448 alleles (0.0015%); highest among the groups gnomAD compares: East Asian, 0.0022%; no homozygotes.

Submissions (7):

Labcorp Genetics (formerly Invitae), Labcorp
Classification: Pathogenic for Mucopolysaccharidosis, MPS-IV-A. Last evaluated: 2023-11-30. Review status: criteria provided, single submitter. Criteria: Invitae Variant Classification Sherloc (09022015). Collection method: clinical testing. Allele origin: germline.
Comment: This sequence change replaces arginine, which is basic and polar, with tryptophan, which is neutral and slightly polar, at codon 90 of the GALNS protein (p.Arg90Trp). The frequency data for this variant in the population databases is considered unreliable, as metrics indicate poor data quality at this position in the gnomAD database. This missense change has been observed in individual(s) with clinical features of GALNS-related conditions (PMID: 30458289). ClinVar contains an entry for this variant (Variation ID: 520618). Advanced modeling of protein sequence and biophysical properties (such as structural, functional, and spatial information, amino acid conservation, physicochemical variation, residue mobility, and thermodynamic stability) performed at Invitae indicates that this missense variant is expected to disrupt GALNS protein function with a positive predictive value of 95%. This variant disrupts the p.Arg90 amino acid residue in GALNS. Other variant(s) that disrupt this residue have been determined to be pathogenic (Invitae). This suggests that this residue is clinically significant, and that variants that disrupt this residue are likely to be disease-causing. For these reasons, this variant has been classified as Pathogenic.

GeneDx
Classification: Pathogenic. Last evaluated: 2022-08-15. Review status: criteria provided, single submitter. Criteria: GeneDx Variant Classification Process June 2021. Collection method: clinical testing. Allele origin: germline. Affected: yes.
Comment: Not observed at significant frequency in large population cohorts (gnomAD); In silico analysis supports that this missense variant has a deleterious effect on protein structure/function; This variant is associated with the following publications: (PMID: 31589614, 25501214, 25545067, 34387910, 30458289, 25287660, 22940367, 15235041, 27331011, 33752727, 24726177, 7633425, 25252036)

3billion
Classification: Pathogenic for Mucopolysaccharidosis, MPS-IV-A. Last evaluated: 2022-01-03. Review status: criteria provided, single submitter. Criteria: ACMG Guidelines, 2015. Collection method: clinical testing. Allele origin: germline. Affected: yes. Observed: 1 heterozygote.
Comment: Same nucleotide change resulting in same amino acid change has been previously reported as pathogenic/likely pathogenic with strong evidence (ClinVar ID: VCV000520618, PS1_S). The variant has been reported to be in trans with a pathogenic variant as either compound heterozygous or homozygous in at least 2 similarly affected unrelated individuals(PMID: 27331011, 30458289, 24726177, PM3_S). In silico tool predictions suggest damaging effect of the variant on gene or gene product (REVEL: 0.983, 3CNET: 0.998, PP3_P). It is observed at an extremely low frequency in the gnomAD v2.1.1 dataset (total allele frequency: 0.000004, PM2_M). Therefore, this variant is classified as pathogenic according to the recommendation of ACMG/AMP guideline.

Genome-Nilou Lab
Classification: Pathogenic for Mucopolysaccharidosis, MPS-IV-A. Last evaluated: 2021-11-07. Review status: criteria provided, single submitter. Criteria: ACMG Guidelines, 2015. Collection method: clinical testing. Allele origin: germline. Affected: no.

Fulgent Genetics
Classification: Pathogenic for Mucopolysaccharidosis, MPS-IV-A. Last evaluated: 2021-08-03. Review status: criteria provided, single submitter. Criteria: ACMG Guidelines, 2015. Collection method: clinical testing. Allele origin: unknown.

Laboratory of Diagnosis and Therapy of Lysosomal Disorders, University of Padova
Classification: Pathogenic for Mucopolysaccharidosis, MPS-IV-A. Last evaluated: 2021-02-01. Review status: criteria provided, single submitter. Criteria: ACMG Guidelines, 2015. Collection method: curation. Allele origin: germline. Affected: yes.
Comment: In vivo functional studies supportive of a damaging effect on the gene product (low to null enzymatic activity in homozygotes; PS3_strong); the prevalence of the variant in affected individuals is significantly increased compared with the prevalence in controls (PS4_strong); very low frequency in gnomAD v2.1.1 (PM2_moderate); multiple lines of computational evidence support a deleterious effect on the gene (PP3_supporting)

Ambry Genetics
Classification: Pathogenic for Inborn genetic diseases. Last evaluated: 2014-12-26. Review status: criteria provided, single submitter. Criteria: Ambry exome assertion method (8-5-2015). Collection method: clinical testing. Allele origin: germline. Affected: yes. Observed: 1 variant allele.

Literature cited by the submitters: PubMed 30458289 (cited by 3 submitters); PubMed 27331011 (cited by 3billion and Laboratory of Diagnosis and Therapy of Lysosomal Disorders, University of Padova); PubMed 24726177 (cited by 3billion and Laboratory of Diagnosis and Therapy of Lysosomal Disorders, University of Padova); PubMed 15235041 (cited by Laboratory of Diagnosis and Therapy of Lysosomal Disorders, University of Padova); PubMed 25252036 (cited by Laboratory of Diagnosis and Therapy of Lysosomal Disorders, University of Padova); PubMed 25545067 (cited by Laboratory of Diagnosis and Therapy of Lysosomal Disorders, University of Padova); PubMed 7633425 (cited by Laboratory of Diagnosis and Therapy of Lysosomal Disorders, University of Padova); PubMed 34387910 (cited by Laboratory of Diagnosis and Therapy of Lysosomal Disorders, University of Padova).

NM_000512.5(GALNS):c.268C>T (p.Arg90Trp)

Gene: GALNS (galactosamine (N-acetyl)-6-sulfatase; minus strand). Cytogenetic location: 16q24.3.
Variant type: single nucleotide variant.
Coding change: c.268C>T on transcript NM_000512.5 (MANE Select); coding-DNA position 268, C replaced by T.
Protein change: p.Arg90Trp; replaces arginine 90 with tryptophan.
Molecular consequence: missense variant. On other transcripts: 5 prime UTR variant (1).
Genome position (GRCh38, 1-based): chr16:88,841,948, G>A on the plus strand (C>T on the coding strand, the complement: GALNS is on the minus strand). VCF-style: chr16-88841948-G-A. GRCh37 (hg19) VCF-style: chr16-88908356-G-A.
Other names: c.-288C>T (NM_001323543.2); c.286C>T, p.Arg96Trp (NM_001323544.2); short protein forms R90W, R96W.
Identifiers: ClinVar variation 520618 (VCV000520618.17), dbSNP rs1028668536, ClinGen allele CA286406375.
Genomic context (GRCh38, chr16:88,841,948, plus strand): 5'-GCAGCCTACCGTTTCTGGCATGGGCGTTGGTGGTGTAGAAGCCATTGCGGATGGGTAGCC[G>A]TCCTGTGAGCAGTGCCGCCCTCGCTATGTGGAGGTGACAGAAACAGAAACTGGATAAGAA-3'
Protein context (NP_000503.1, residues 80-100): SPSRAALLTG[Arg90Trp]LPIRNGFYTT